The following is an entry in ClinVar:

NM_000204.5(CFI):c.747C>A (p.Asp249Glu)

Gene: CFI (complement factor I; minus strand). Cytogenetic location: 4q25.
Variant type: single nucleotide variant.
Coding change: c.747C>A on transcript NM_000204.5 (MANE Select); coding-DNA position 747, C replaced by A.
Protein change: p.Asp249Glu; replaces aspartic acid 249 with glutamic acid.
Molecular consequence: missense variant. On other transcripts: non-coding transcript variant (3).
Genome position (GRCh38, 1-based): chr4:109,760,548, G>T on the plus strand (C>A on the coding strand, the complement: CFI is on the minus strand). VCF-style: chr4-109760548-G-T. GRCh37 (hg19) VCF-style: chr4-110681704-G-T.
Other names: c.747C>A, p.Asp249Glu (NM_001318057.2, NM_001331035.2, NM_001375278.1 and 10 more transcripts); c.138C>A, p.Asp46Glu (NM_001375284.1); short protein forms D249E, D46E.
Identifiers: ClinVar variation 4280454 (VCV004280454.1).

ClinVar aggregate classification (germline): Likely pathogenic, low penetrance (1 of 4 stars; one submission).

Conditions:
CFI-related disorder. Also called: CFI-related condition; CFI-related disorders. Identifiers: MedGen CN239325.

Submission:

Genomenon, Inc
Classification: Likely pathogenic, low penetrance for CFI-related disorder. Last evaluated: 2025-09-26. Review status: criteria provided, single submitter. Criteria: Genomenon Sequence Variant Interpretation Standards - Updated. Collection method: curation. Allele origin: germline. Affected: no.
Comment: CFI p.Asp249Glu (c.747C>A) is a missense variant that changes the amino acid at residue 249 from Aspartic acid to Glutamic acid. To our knowledge, this variant has not been reported in patients affected with CFI-related disorders in the published literature. At least one functional study has demonstrated a substantial alteration in protein function relative to the wild-type (PMID:32510551). The variant is located in a mutational hotspot. It is absent or not present at a significant frequency in gnomAD. In silico models agree that this variant is possibly or probably damaging. In conclusion, we classify CFI p.Asp249Glu (c.747C>A) as a likely pathogenic, low penetrance variant.

Literature cited by the submitters: PubMed 32510551.